The following is an entry in ClinVar:

NM_004656.4(BAP1):c.944dup (p.Ala316fs)

Gene: BAP1 (BRCA1 associated deubiquitinase 1; minus strand). Cytogenetic location: 3p21.1.
Variant type: Duplication.
Coding change: c.944dup on transcript NM_004656.4 (MANE Select); coding-DNA position 944, one base duplicated (A; older notation c.944dupA).
Protein change: p.Ala316fs; shifts the reading frame from alanine 316.
Molecular consequence: frameshift variant.
Genome position (GRCh38, 1-based): chr3:52,405,282, T duplicated on the plus strand (A on the coding strand, the reverse complement: BAP1 is on the minus strand). VCF-style (leftmost placement, unchanged base first): chr3-52405281-C-CT. GRCh37 (hg19) VCF-style: chr3-52439297-C-CT.
Other names: short protein forms A316fs.
Identifiers: ClinVar variation 1073043 (VCV001073043.5), dbSNP rs2153227082, ClinGen allele CA2499216943.

ClinVar aggregate classification (germline): Pathogenic (1 of 4 stars; one submission).

Conditions:
BAP1-related tumor predisposition syndrome (TPDS1). Also called: Tumor susceptibility linked to germline BAP1 mutations; BAP1 tumor predisposition syndrome; COMMON Syndrome; TUMOR PREDISPOSITION SYNDROME 1. Identifiers: Orphanet 289539, MedGen C3280492, MONDO:0013692, OMIM 614327.

Submission:

Labcorp Genetics (formerly Invitae), Labcorp
Classification: Pathogenic for BAP1-related tumor predisposition syndrome. Last evaluated: 2020-06-10. Review status: criteria provided, single submitter. Criteria: Invitae Variant Classification Sherloc (09022015). Collection method: clinical testing. Allele origin: germline.
Comment: For these reasons, this variant has been classified as Pathogenic. Loss-of-function variants in BAP1 are known to be pathogenic (PMID: 21874000, 23684012). This variant has not been reported in the literature in individuals with BAP1-related conditions. This variant is not present in population databases (ExAC no frequency). This sequence change creates a premature translational stop signal (p.Ala316Glyfs*82) in the BAP1 gene. It is expected to result in an absent or disrupted protein product.

Literature cited by the submitters: PubMed 21874000; PubMed 23684012.